The following is an entry in ClinVar:

NM_001289.6(CLIC2):c.19G>A (p.Gly7Ser)

Gene: CLIC2 (CLIC family member 2; minus strand). Cytogenetic location: Xq28.
Variant type: single nucleotide variant.
Coding change: c.19G>A on transcript NM_001289.6 (MANE Select); coding-DNA position 19, G replaced by A.
Protein change: p.Gly7Ser; replaces glycine 7 with serine.
Molecular consequence: missense variant.
Genome position (GRCh38, 1-based): chrX:155,334,409, C>T on the plus strand (G>A on the coding strand, the complement: CLIC2 is on the minus strand). VCF-style: chrX-155334409-C-T. GRCh37 (hg19) VCF-style: chrX-154563718-C-T.
Other names: c.19G>A (NM_001289.4); short protein forms G7S.
Identifiers: ClinVar variation 1675174 (VCV001675174.5), dbSNP rs782061657, ClinGen allele CA10569391.

ClinVar aggregate classification (germline): Conflicting classifications of pathogenicity. Review status: criteria provided, conflicting classifications (1 of 4 stars). 2 submissions from 2 submitters: Uncertain significance (1); Likely benign (1). Last evaluated 2022-09-22.

Conditions:
Intellectual developmental disorder, X-linked, syndromic 32. Also called: X-linked intellectual disability-cardiomegaly-congestive heart failure syndrome. Identifiers: Orphanet 324410, MedGen C3550913, MONDO:0010473, OMIM 300886.

Allele frequency attached by ClinVar (database versions not stated): gnomAD exomes 0.00007 and 0.00010; 1000 Genomes Project 0.00026; TOPMed 0.00002; gnomAD 0.00003; ExAC 0.00013; 1000 Genomes Project 30x 0.00021.

Submissions (2):

Ambry Genetics
Classification: Likely benign. Last evaluated: 2022-09-22. Review status: criteria provided, single submitter. Criteria: Ambry Variant Classification Scheme 2023. Collection method: clinical testing. Allele origin: germline.

Centre of Medical Genetics, University Hospital Muenster
Classification: Uncertain significance for Intellectual developmental disorder, X-linked, syndromic 32. Last evaluated: 2022-02-09. Review status: criteria provided, single submitter. Criteria: ACMG Guidelines, 2015. Collection method: clinical testing. Allele origin: germline. Affected: yes. Observed: 1 variant allele.
Comment: ACMG categories: PM2,PP3